The following is an entry in ClinVar:

NM_001130144.3(LTBP3):c.808C>A (p.Pro270Thr)

Gene: LTBP3 (latent transforming growth factor beta binding protein 3; minus strand). Cytogenetic location: 11q13.1.
Variant type: single nucleotide variant.
Coding change: c.808C>A on transcript NM_001130144.3 (MANE Select); coding-DNA position 808, C replaced by A.
Protein change: p.Pro270Thr; replaces proline 270 with threonine.
Molecular consequence: missense variant.
Genome position (GRCh38, 1-based): chr11:65,553,757, G>T on the plus strand (C>A on the coding strand, the complement: LTBP3 is on the minus strand). VCF-style: chr11-65553757-G-T. GRCh37 (hg19) VCF-style: chr11-65321228-G-T.
Other names: c.457C>A, p.Pro153Thr (NM_001164266.1); c.808C>A, p.Pro270Thr (NM_021070.4); short protein forms P270T, P153T.
Identifiers: ClinVar variation 3699031 (VCV003699031.2).

ClinVar aggregate classification (germline): Uncertain significance (1 of 4 stars; one submission).

Conditions:
Brachyolmia-amelogenesis imperfecta syndrome. Also called: Tooth agenesis, selective, 6; Dental anomalies and short stature; PLATYSPONDYLY WITH AMELOGENESIS IMPERFECTA. Identifiers: Orphanet 2899, MedGen C1832594, MONDO:0011018, OMIM 601216. Disease mechanism: loss of function.

Submission:

Labcorp Genetics (formerly Invitae), Labcorp
Classification: Uncertain significance for Brachyolmia-amelogenesis imperfecta syndrome. Last evaluated: 2025-08-04. Review status: criteria provided, single submitter. Criteria: Invitae Variant Classification Sherloc (09022015). Collection method: clinical testing. Allele origin: germline.
Comment: This sequence change replaces proline, which is neutral and non-polar, with threonine, which is neutral and polar, at codon 270 of the LTBP3 protein (p.Pro270Thr). This variant is not present in population databases (gnomAD no frequency). This variant has not been reported in the literature in individuals affected with LTBP3-related conditions. ClinVar contains an entry for this variant (Variation ID: 3699031). An algorithm developed to predict the effect of missense changes on protein structure and function (PolyPhen-2) suggests that this variant is likely to be tolerated. In summary, the available evidence is currently insufficient to determine the role of this variant in disease. Therefore, it has been classified as a Variant of Uncertain Significance.